The following is an entry in ClinVar:

ClinVar aggregate classification (germline): Likely pathogenic (1 of 4 stars; one submission).

Submission:

Athena Diagnostics
Classification: Likely pathogenic. Last evaluated: 2018-08-27. Review status: criteria provided, single submitter. Criteria: Athena Diagnostics Criteria. Collection method: clinical testing. Allele origin: germline.
Comment: The variant disrupts a canonical splice site, and is therefore predicted to significantly disrupt the protein structure. Not found in the total gnomAD dataset, and the data is high quality (0/277064 chr).

NM_015346.4(ZFYVE26):c.887-2A>G

Gene: ZFYVE26 (zinc finger FYVE-type containing 26; minus strand). Cytogenetic location: 14q24.1.
Variant type: single nucleotide variant.
Coding change: c.887-2A>G on transcript NM_015346.4 (MANE Select); the canonical splice acceptor site of the intron before coding-DNA position 887, A replaced by G.
Molecular consequence: splice acceptor variant.
Genome position (GRCh38, 1-based): chr14:67,806,677, T>C on the plus strand (A>G on the coding strand, the complement: ZFYVE26 is on the minus strand). VCF-style: chr14-67806677-T-C. GRCh37 (hg19) VCF-style: chr14-68273394-T-C.
Identifiers: ClinVar variation 805500 (VCV000805500.1), dbSNP rs1594937657, ClinGen allele CA390160426.